The following is an entry in ClinVar:

NM_000297.4(PKD2):c.536_538dup (p.Pro179dup)

Genes: PKD2 (polycystin 2, transient receptor potential cation channel; plus strand), LOC129992813 (ATAC-STARR-seq lymphoblastoid silent region 15559; plus strand). Cytogenetic location: 4q22.1.
Variant type: Duplication.
Coding change: c.536_538dup on transcript NM_000297.4 (MANE Select); coding-DNA positions 536 to 538, 3 bases duplicated (CCC; older notation c.536_538dupCCC).
Protein change: p.Pro179dup; duplicates proline 179.
Molecular consequence: inframe insertion. On other transcripts: non-coding transcript variant (1).
Genome position (GRCh38, 1-based): chr4:88,008,269-88,008,271, CCC duplicated; duplicating any 3 consecutive bases within chr4:88,008,267-88,008,271 gives the same sequence; the c. name uses the placement nearest the transcript's 3' end. VCF-style (leftmost placement, unchanged base first): chr4-88008266-T-TCCC. GRCh37 (hg19) VCF-style: chr4-88929418-T-TCCC.
Identifiers: ClinVar variation 1395094 (VCV001395094.6), dbSNP rs1371793191, ClinGen allele CA553085879.

ClinVar aggregate classification (germline): Uncertain significance (1 of 4 stars; one submission).

Conditions:
Autosomal dominant polycystic kidney disease. Identifiers: Orphanet 730, MedGen C0085413, MONDO:0004691.

Submission:

Labcorp Genetics (formerly Invitae), Labcorp
Classification: Uncertain significance for Autosomal dominant polycystic kidney disease. Last evaluated: 2021-11-02. Review status: criteria provided, single submitter. Criteria: Invitae Variant Classification Sherloc (09022015). Collection method: clinical testing. Allele origin: germline.
Comment: In summary, the available evidence is currently insufficient to determine the role of this variant in disease. Therefore, it has been classified as a Variant of Uncertain Significance. This variant has not been reported in the literature in individuals affected with PKD2-related conditions. This variant is present in population databases (no rsID available, gnomAD 0.003%). This variant, c.536_538dup, results in the insertion of 1 amino acid(s) of the PKD2 protein (p.Pro179dup), but otherwise preserves the integrity of the reading frame.